The following is an entry in ClinVar:

NM_000059.4(BRCA2):c.5803A>T (p.Asn1935Tyr)

Gene: BRCA2 (BRCA2 DNA repair associated; plus strand). Cytogenetic location: 13q13.1.
Variant type: single nucleotide variant.
Coding change: c.5803A>T on transcript NM_000059.4 (MANE Select); coding-DNA position 5803, A replaced by T.
Protein change: p.Asn1935Tyr; replaces asparagine 1935 with tyrosine.
Molecular consequence: missense variant.
Genome position (GRCh38, 1-based): chr13:32,340,158, A>T. VCF-style: chr13-32340158-A-T. GRCh37 (hg19) VCF-style: chr13-32914295-A-T.
Other names: c.5803A>T, p.Asn1935Tyr (NM_001406719.1, NM_001406720.1); short protein forms N1935Y.
Identifiers: ClinVar variation 1749792 (VCV001749792.4), dbSNP rs2137521147, ClinGen allele CA387787222.
Genomic context (GRCh38, chr13:32,340,158, plus strand): 5'-ACGCATTCACATAAGGTTTTTGCTGACATTCAGAGTGAAGAAATTTTACAACATAACCAA[A>T]ATATGTCTGGATTGGAGAAAGTTTCTAAAATATCACCTTGTGATGTTAGTTTGGAAACTT-3'
Protein context (NP_000050.3, residues 1925-1945): QSEEILQHNQ[Asn1935Tyr]MSGLEKVSKI

ClinVar aggregate classification (germline): Conflicting classifications of pathogenicity. Review status: criteria provided, conflicting classifications (1 of 4 stars). 2 submissions from 2 submitters: Uncertain significance (1); Likely benign (1). Last evaluated 2023-03-23.

Conditions:
Hereditary cancer-predisposing syndrome. Also called: Hereditary Cancer Syndrome; Hereditary neoplastic syndrome; Neoplastic Syndromes, Hereditary; Tumor predisposition. Identifiers: Orphanet 140162, MedGen C0027672, MeSH D009386, MONDO:0015356.

Submissions (2):

University of Washington Department of Laboratory Medicine, University of Washington
Classification: Likely benign for Hereditary cancer-predisposing syndrome. Last evaluated: 2023-03-23. Review status: criteria provided, single submitter. Criteria: Dines et al. (Genet Med. 2020). Collection method: curation. Allele origin: germline.
Comment: Missense variant in a coldspot region where missense variants are very unlikely to be pathogenic (PMID:31911673).

BRCA2 exon 11 coldspot. Reclassification based on statistical prior probability.

Ambry Genetics
Classification: Uncertain significance for Hereditary cancer-predisposing syndrome. Last evaluated: 2022-05-01. Review status: criteria provided, single submitter. Criteria: Ambry Variant Classification Scheme 2023. Collection method: clinical testing. Allele origin: germline.
Comment: The p.N1935Y variant (also known as c.5803A>T), located in coding exon 10 of the BRCA2 gene, results from an A to T substitution at nucleotide position 5803. The asparagine at codon 1935 is replaced by tyrosine, an amino acid with dissimilar properties. This amino acid position is conserved. In addition, this alteration is predicted to be tolerated by in silico analysis. Since supporting evidence is limited at this time, the clinical significance of this alteration remains unclear.